The following is an entry in ClinVar:

ClinVar aggregate classification (germline): Uncertain significance (1 of 4 stars; one submission).

Submission:

Labcorp Genetics (formerly Invitae), Labcorp
Classification: Uncertain significance. Last evaluated: 2022-02-03. Review status: criteria provided, single submitter. Criteria: Invitae Variant Classification Sherloc (09022015). Collection method: clinical testing. Allele origin: germline.
Comment: In summary, the available evidence is currently insufficient to determine the role of this variant in disease. Therefore, it has been classified as a Variant of Uncertain Significance. This sequence change replaces glycine, which is neutral and non-polar, with alanine, which is neutral and non-polar, at codon 201 of the TULP1 protein (p.Gly201Ala). This variant is not present in population databases (gnomAD no frequency). This variant has not been reported in the literature in individuals affected with TULP1-related conditions. Algorithms developed to predict the effect of missense changes on protein structure and function are either unavailable or do not agree on the potential impact of this missense change (SIFT: "Not Available"; PolyPhen-2: "Possibly Damaging"; Align-GVGD: "Not Available").

NM_003322.6(TULP1):c.602G>C (p.Gly201Ala)

Gene: TULP1 (TUB like protein 1; minus strand). Cytogenetic location: 6p21.31.
Variant type: single nucleotide variant.
Coding change: c.602G>C on transcript NM_003322.6 (MANE Select); coding-DNA position 602, G replaced by C.
Protein change: p.Gly201Ala; replaces glycine 201 with alanine.
Molecular consequence: missense variant.
Genome position (GRCh38, 1-based): chr6:35,509,750, C>G on the plus strand (G>C on the coding strand, the complement: TULP1 is on the minus strand). VCF-style: chr6-35509750-C-G. GRCh37 (hg19) VCF-style: chr6-35477527-C-G.
Other names: c.443G>C, p.Gly148Ala (NM_001289395.2); short protein forms G201A, G148A.
Identifiers: ClinVar variation 2092476 (VCV002092476.4), dbSNP rs2533804269, ClinGen allele CA363782768.